The following is an entry in ClinVar:

ClinVar aggregate classification (germline): Uncertain significance (1 of 4 stars; one submission).

Submission:

GeneDx
Classification: Uncertain significance. Last evaluated: 2019-10-13. Review status: criteria provided, single submitter. Criteria: GeneDx Variant Classification Process June 2021. Collection method: clinical testing. Allele origin: germline. Affected: yes.
Comment: Not observed in large population cohorts (Lek et al., 2016); In silico analysis, which includes protein predictors and evolutionary conservation, supports a deleterious effect; Has not been previously published as pathogenic or benign to our knowledge

NM_000435.3(NOTCH3):c.2369C>T (p.Pro790Leu)

Gene: NOTCH3 (notch receptor 3; minus strand). Cytogenetic location: 19p13.12.
Variant type: single nucleotide variant.
Coding change: c.2369C>T on transcript NM_000435.3 (MANE Select); coding-DNA position 2369, C replaced by T.
Protein change: p.Pro790Leu; replaces proline 790 with leucine.
Molecular consequence: missense variant.
Genome position (GRCh38, 1-based): chr19:15,184,947, G>A on the plus strand (C>T on the coding strand, the complement: NOTCH3 is on the minus strand). VCF-style: chr19-15184947-G-A. GRCh37 (hg19) VCF-style: chr19-15295758-G-A.
Other names: short protein forms P790L.
Identifiers: ClinVar variation 1304673 (VCV001304673.2), dbSNP rs2145428626, ClinGen allele CA404520377.